The following is an entry in ClinVar:

ClinVar aggregate classification (germline): Conflicting classifications of pathogenicity. Review status: criteria provided, conflicting classifications (1 of 4 stars). 3 submissions from 3 submitters: Pathogenic (1); Likely pathogenic (1); Uncertain significance (1). Last evaluated 2026-03-17.

Conditions:
Ectopic tissue. Also called: Heterotopia. Identifiers: MedGen C0008519.

Submissions (3):

GeneDx
Classification: Likely pathogenic. Last evaluated: 2026-03-17. Review status: criteria provided, single submitter. Criteria: GeneDx Variant Classification Process June 2021. Collection method: clinical testing. Allele origin: germline.
Comment: Alters the last nucleotide of the exon and is predicted to destroy the splice donor site and result in aberrant splicing, although in the absence of functional evidence the actual effect of this sequence change is unknown; Not observed at significant frequency in large population cohorts (gnomAD); Has not been previously published as pathogenic or benign to our knowledge.

Labcorp Genetics (formerly Invitae), Labcorp
Classification: Uncertain significance. Last evaluated: 2021-06-19. Review status: criteria provided, single submitter. Criteria: Invitae Variant Classification Sherloc (09022015). Collection method: clinical testing. Allele origin: germline.
Comment: This variant disrupts the p.Gly122 amino acid residue in DCX. Other variant(s) that disrupt this residue have been observed in individuals with DCX-related conditions (PMID: 17111359), which suggests that this may be a clinically significant amino acid residue. This sequence change replaces glycine with arginine at codon 122 of the DCX protein (p.Gly122Arg). The glycine residue is highly conserved and there is a moderate physicochemical difference between glycine and arginine. This variant also falls at the last nucleotide of exon 2, which is part of the consensus splice site for this exon. This variant is not present in population databases (ExAC no frequency). This variant has been observed in individual(s) with lissencephaly (Invitae). ClinVar contains an entry for this variant (Variation ID: 158456). Algorithms developed to predict the effect of missense changes on protein structure and function (SIFT, PolyPhen-2, Align-GVGD) all suggest that this variant is likely to be disruptive, but these predictions have not been confirmed by published functional studies and their clinical significance is uncertain. Nucleotide substitutions within the consensus splice site are a relatively common cause of aberrant splicing (PMID: 17576681, 9536098). Algorithms developed to predict the effect of sequence changes on RNA splicing suggest that this variant may disrupt the consensus splice site, but this prediction has not been confirmed by published transcriptional studies. In summary, the available evidence is currently insufficient to determine the role of this variant in disease. Therefore, it has been classified as a Variant of Uncertain Significance.

Genetic Services Laboratory, University of Chicago
Classification: Pathogenic for Abnormality of neuronal migration. Last evaluated: 2013-02-08. Review status: criteria provided, single submitter. Criteria: ACMG Guidelines, 2007. Collection method: clinical testing. Allele origin: germline. Inheritance: Autosomal dominant inheritance. Affected: yes.

Literature cited by the submitters: PubMed 17111359 (cited by Labcorp Genetics (formerly Invitae), Labcorp); PubMed 17576681 (cited by Labcorp Genetics (formerly Invitae), Labcorp); PubMed 9536098 (cited by Labcorp Genetics (formerly Invitae), Labcorp).

NM_001195553.2(DCX):c.364G>A (p.Gly122Arg)

Gene: DCX (doublecortin; minus strand). Cytogenetic location: Xq23.
Variant type: single nucleotide variant.
Coding change: c.364G>A on transcript NM_001195553.2 (MANE Select); coding-DNA position 364, G replaced by A.
Protein change: p.Gly122Arg; replaces glycine 122 with arginine.
Molecular consequence: missense variant.
Genome position (GRCh38, 1-based): chrX:111,410,035, C>T on the plus strand (G>A on the coding strand, the complement: DCX is on the minus strand). VCF-style: chrX-111410035-C-T. GRCh37 (hg19) VCF-style: chrX-110653263-C-T.
Other names: c.607G>A, p.Gly203Arg (NM_000555.3); c.364G>A, p.Gly122Arg (NM_001369370.1, NM_001369371.1, NM_001369372.1 and 5 more transcripts); c.364G>A (NM_178153.1); short protein forms G122R, G203R.
Identifiers: ClinVar variation 158456 (VCV000158456.14), dbSNP rs587783544, ClinGen allele CA171938.
Genomic context (GRCh38, chrX:111,410,035, plus strand): 5'-TGTAACCATAACCAATGATGCCACCTCCCACCAACGGCCACCACCCACTATTTAAATTAC[C>T]TTCCTCCAGTTCATCCATGCTTCCGATCTTCCTGGATCCATCAATGGTGTAAATGTAACG-3'
Protein context (NP_001182482.1, residues 112-132): KIGSMDELEE[Gly122Arg]ESYVCSSDNF